The following is an entry in ClinVar:

ClinVar aggregate classification (germline): Pathogenic (1 of 4 stars; one submission).

Conditions:
Rare genetic deafness. Identifiers: Orphanet 96210, MedGen C5680250.

Submission:

Laboratory for Molecular Medicine, Mass General Brigham Personalized Medicine
Classification: Pathogenic for Rare genetic deafness. Last evaluated: 2018-05-07. Review status: criteria provided, single submitter. Criteria: LMM Criteria. Collection method: clinical testing. Allele origin: germline. Inheritance: Autosomal dominant inheritance. Observed: 1 variant allele.
Comment: The p.Ser388X variant in PAX3 has not been previously reported in individuals wi th Waardenburg syndrome and was absent from large population studies. This nons ense variant leads to a premature termination codon at position 388, which is pr edicted to lead to a truncated or absent protein. Heterozygous loss of function of the PAX3 gene is an established disease mechanism in Waardenburg syndrome. In summary, this variant meets criteria to be classified as pathogenic for autos omal dominant Waardenburg syndrome based on the predicted impact of the variant, absence from controls, and presence in an individual with clinical features of Waardenburg syndrome. ACMG/AMP Criteria applied: PVS1, PM2, PP4.

NM_181458.4(PAX3):c.1166C>G (p.Ser389Ter)

Genes: PAX3 (paired box 3; minus strand), LOC126806529 (CDK7 strongly-dependent group 2 enhancer GRCh37_chr2:223084735-223085934; plus strand). Cytogenetic location: 2q36.1.
Variant type: single nucleotide variant.
Coding change: c.1166C>G on transcript NM_181458.4 (MANE Select); coding-DNA position 1166, C replaced by G.
Protein change: p.Ser389Ter; replaces serine 389 with a stop codon.
Molecular consequence: nonsense.
Genome position (GRCh38, 1-based): chr2:222,220,147, G>C on the plus strand (C>G on the coding strand, the complement: PAX3 is on the minus strand). VCF-style: chr2-222220147-G-C. GRCh37 (hg19) VCF-style: chr2-223084866-G-C.
Other names: c.1166C>G, p.Ser389Ter (NM_181461.4, NM_181457.4, NM_181459.4 and 1 more transcripts); c.1163C>G, p.Ser388Ter (NM_001127366.3); short protein forms S389*, S388*.
Identifiers: ClinVar variation 667018 (VCV000667018.4), dbSNP rs758136826, ClinGen allele CA351115964.